The following is an entry in ClinVar:

NM_000214.3(JAG1):c.826T>A (p.Cys276Ser)

Gene: JAG1 (jagged canonical Notch ligand 1; minus strand). Cytogenetic location: 20p12.2.
Variant type: single nucleotide variant.
Coding change: c.826T>A on transcript NM_000214.3 (MANE Select); coding-DNA position 826, T replaced by A.
Protein change: p.Cys276Ser; replaces cysteine 276 with serine.
Molecular consequence: missense variant.
Genome position (GRCh38, 1-based): chr20:10,652,528, A>T on the plus strand (T>A on the coding strand, the complement: JAG1 is on the minus strand). VCF-style: chr20-10652528-A-T. GRCh37 (hg19) VCF-style: chr20-10633176-A-T.
Other names: short protein forms C276S.
Identifiers: ClinVar variation 3573124 (VCV003573124.2).

Conditions:
Arteriohepatic dysplasia. Also called: Alagille Syndrome. Identifiers: Orphanet 52, MedGen C0085280, MeSH D016738, MONDO:0007318.

Submission:

Gilbert/Spinner Lab, Children's Hospital of Philadelphia
No classification provided (evidence only). Condition: Alagille syndrome. Review status: no classification provided. Collection method: research. Allele origin: not applicable. Functional consequence: functionally_abnormal.
ClinVar note: "not provided" was previously submitted as the classification for the variant. However, the classification appeared to be based only on an observation of functional data so it was converted to no classification on 2025-07-30.